The following is an entry in ClinVar:

ClinVar aggregate classification (germline): Uncertain significance (1 of 4 stars; one submission).

gnomAD v4.1: 4 of 1,613,582 alleles (0.00025%); highest among the groups gnomAD compares: Non-Finnish European, 0.00034%; no homozygotes.

Submission:

GeneDx
Classification: Uncertain significance. Last evaluated: 2026-04-15. Review status: criteria provided, single submitter. Criteria: GeneDx Variant Classification Process June 2021. Collection method: clinical testing. Allele origin: germline.
Comment: Not observed at significant frequency in large population cohorts (gnomAD); In silico analysis suggests that this missense variant does not alter protein structure/function; Has not been previously published as pathogenic or benign to our knowledge

NM_013432.5(TONSL):c.3683C>A (p.Ala1228Asp)

Gene: TONSL (tonsoku like, DNA repair protein; minus strand). Cytogenetic location: 8q24.3.
Variant type: single nucleotide variant.
Coding change: c.3683C>A on transcript NM_013432.5 (MANE Select); coding-DNA position 3683, C replaced by A.
Protein change: p.Ala1228Asp; replaces alanine 1228 with aspartic acid.
Molecular consequence: missense variant.
Genome position (GRCh38, 1-based): chr8:144,432,337, G>T on the plus strand (C>A on the coding strand, the complement: TONSL is on the minus strand). VCF-style: chr8-144432337-G-T. GRCh37 (hg19) VCF-style: chr8-145657720-G-T.
Other names: short protein forms A1228D.
Identifiers: ClinVar variation 5037252 (VCV005037252.1).